The following is an entry in ClinVar:

NM_032578.4(MYPN):c.1418C>G (p.Thr473Ser)

Gene: MYPN (myopalladin; plus strand). Cytogenetic location: 10q21.3.
Variant type: single nucleotide variant.
Coding change: c.1418C>G on transcript NM_032578.4 (MANE Select); coding-DNA position 1418, C replaced by G.
Protein change: p.Thr473Ser; replaces threonine 473 with serine.
Molecular consequence: missense variant. On other transcripts: non-coding transcript variant (2).
Genome position (GRCh38, 1-based): chr10:68,158,586, C>G. VCF-style: chr10-68158586-C-G. GRCh37 (hg19) VCF-style: chr10-69918343-C-G.
Other names: c.1418C>G, p.Thr473Ser (NM_001256267.2); c.536C>G, p.Thr179Ser (NM_001256268.2); short protein forms T473S, T179S.
Identifiers: ClinVar variation 1506534 (VCV001506534.6), dbSNP rs2134137254, ClinGen allele CA376834806.
Genomic context (GRCh38, chr10:68,158,586, plus strand): 5'-TCTTTGAATGCAGAGTAAAAGGAGCTCCATCTCCTAAGGTTGAGTGGTATAGAGAAGGGA[C>G]TTTAATAGAAGATTCTCCAGATTTTAGGATTTTACAGAAAAGTAAGTTAATACTTTAAAT-3'
Protein context (NP_115967.2, residues 463-483): SPKVEWYREG[Thr473Ser]LIEDSPDFRI

ClinVar aggregate classification (germline): Uncertain significance (1 of 4 stars; one submission).

Conditions:
Dilated cardiomyopathy 1KK (CMD1KK). Identifiers: Orphanet 154, Orphanet 75249, MedGen C3714995, MONDO:0014100, OMIM 615248.

Submission:

Labcorp Genetics (formerly Invitae), Labcorp
Classification: Uncertain significance for Dilated cardiomyopathy 1KK. Last evaluated: 2024-10-17. Review status: criteria provided, single submitter. Criteria: Invitae Variant Classification Sherloc (09022015). Collection method: clinical testing. Allele origin: germline.
Comment: This sequence change replaces threonine, which is neutral and polar, with serine, which is neutral and polar, at codon 473 of the MYPN protein (p.Thr473Ser). This variant is not present in population databases (gnomAD no frequency). This variant has not been reported in the literature in individuals affected with MYPN-related conditions. ClinVar contains an entry for this variant (Variation ID: 1506534). An algorithm developed to predict the effect of missense changes on protein structure and function (PolyPhen-2) suggests that this variant is likely to be tolerated. In summary, the available evidence is currently insufficient to determine the role of this variant in disease. Therefore, it has been classified as a Variant of Uncertain Significance.